The following is an entry in ClinVar:

NM_152263.4(TPM3):c.*2069C>T

Gene: TPM3 (tropomyosin 3; minus strand). Cytogenetic location: 1q21.3.
Variant type: single nucleotide variant.
Coding change: c.*2069C>T on transcript NM_152263.4 (MANE Select); 2069 bases downstream of the stop codon, C replaced by T.
Molecular consequence: 3 prime UTR variant. On other transcripts: intron variant (12).
Genome position (GRCh38, 1-based): chr1:154,165,868, G>A on the plus strand (C>T on the coding strand, the complement: TPM3 is on the minus strand). VCF-style: chr1-154165868-G-A. GRCh37 (hg19) VCF-style: chr1-154138344-G-A.
Other names: c.*2069C>T (NM_001364682.1, NM_001364683.1); c.775+4532C>T (NM_001364679.2, NM_001364681.2, NM_001364680.2); c.466+4532C>T (NM_001278188.2); c.664+4532C>T (NM_001043351.2, NM_001043353.2, NM_153649.4 and 1 more transcripts); c.743+3437C>T (NM_001349679.2, NM_001278189.2); c.601+4532C>T (NM_001278190.2); c.394+4532C>T (NM_001278191.2).
Identifiers: ClinVar variation 292671 (VCV000292671.5), dbSNP rs140536164, ClinGen allele CA10607867.

ClinVar aggregate classification (germline): Benign. Review status: criteria provided, single submitter (1 of 4 stars). 2 submissions from 1 submitter: Benign (2). Last evaluated 2018-01-13.

Conditions:
Congenital myopathy 4B, autosomal recessive. Also called: Nemaline myopathy 1, autosomal dominant or recessive. Identifiers: Orphanet 171433, Orphanet 171439, Orphanet 171881, MedGen C5829889, MONDO:0012239, OMIM 609284.
Congenital myopathy with fiber type disproportion. Also called: Congenital fiber-type disproportion myopathy; Congenital fiber-type disproportion. Identifiers: Orphanet 2020, MedGen C0546264, MONDO:0009711. Inheritance: all.

Allele frequency attached by ClinVar (database versions not stated): gnomAD 0.00588 and 0.00602; 1000 Genomes Project 30x 0.00828; 1000 Genomes Project 0.00779; TOPMed 0.00960.
gnomAD v4.1: 915 of 152,038 alleles (0.6%); highest among the groups gnomAD compares: Admixed American, 5.5%; 39 homozygotes.

Submissions (2):

Illumina Laboratory Services, Illumina
Classification: Benign for Congenital myopathy 4B, autosomal recessive. Last evaluated: 2018-01-13. Review status: criteria provided, single submitter. Criteria: ICSL Variant Classification Criteria 13 December 2019. Collection method: clinical testing. Allele origin: germline.
Comment: This variant was observed in the ICSL laboratory as part of a predisposition screen in an ostensibly healthy population. It had not been previously curated by ICSL or reported in the Human Gene Mutation Database (HGMD: prior to June 1st, 2018), and was therefore a candidate for classification through an automated scoring system. Utilizing variant allele frequency, disease prevalence and penetrance estimates, and inheritance mode, an automated score was calculated to assess if this variant is too frequent to cause the disease. Based on the score and internal cut-off values, a variant classified as benign is not then subjected to further curation. The score for this variant resulted in a classification of benign for this disease.

Illumina Laboratory Services, Illumina
Classification: Benign for Congenital myopathy 4A, autosomal dominant. Last evaluated: 2018-01-13. Review status: criteria provided, single submitter. Criteria: ICSL Variant Classification Criteria 13 December 2019. Collection method: clinical testing. Allele origin: germline.
Comment: the same text as in the submission from Illumina Laboratory Services, Illumina above.